The following is an entry in ClinVar:

NM_004168.4(SDHA):c.718G>A (p.Glu240Lys)

Gene: SDHA (succinate dehydrogenase complex flavoprotein subunit A; plus strand). Cytogenetic location: 5p15.33.
Variant type: single nucleotide variant.
Coding change: c.718G>A on transcript NM_004168.4 (MANE Select); coding-DNA position 718, G replaced by A.
Protein change: p.Glu240Lys; replaces glutamic acid 240 with lysine.
Molecular consequence: missense variant.
Genome position (GRCh38, 1-based): chr5:228,281, G>A. VCF-style: chr5-228281-G-A. GRCh37 (hg19) VCF-style: chr5-228396-G-A.
Other names: c.574G>A, p.Glu192Lys (NM_001294332.2); c.718G>A, p.Glu240Lys (NM_001330758.2); c.718G>A (NM_004168.2); short protein forms E192K, E240K.
Identifiers: ClinVar variation 846373 (VCV000846373.11), dbSNP rs1041946, ClinGen allele CA359011033.

ClinVar aggregate classification (germline): Uncertain significance. Review status: criteria provided, multiple submitters, no conflicts (2 of 4 stars). 2 submissions from 2 submitters: Uncertain significance (2). Last evaluated 2025-01-23.

Conditions:
Pheochromocytoma/paraganglioma syndrome 5. Also called: Paragangliomas 5; SDHA-Related Hereditary Paraganglioma-Pheochromocytoma Syndrome. Identifiers: Orphanet 29072, MedGen C3279992, MONDO:0013602, OMIM 614165.
Mitochondrial complex II deficiency, nuclear type 1. Also called: SUCCINATE CoQ REDUCTASE DEFICIENCY. Identifiers: Orphanet 3208, MedGen C5700310, MONDO:0100294, OMIM 252011.
Hereditary cancer-predisposing syndrome. Also called: Tumor predisposition; Hereditary neoplastic syndrome; Neoplastic Syndromes, Hereditary; Hereditary Cancer Syndrome. Identifiers: Orphanet 140162, MedGen C0027672, MeSH D009386, MONDO:0015356.

Submissions (2):

Ambry Genetics
Classification: Uncertain significance for Hereditary cancer-predisposing syndrome. Last evaluated: 2025-01-23. Review status: criteria provided, single submitter. Criteria: Ambry Variant Classification Scheme 2023. Collection method: clinical testing. Allele origin: germline.
Comment: The p.E240K variant (also known as c.718G>A), located in coding exon 6 of the SDHA gene, results from a G to A substitution at nucleotide position 718. The glutamic acid at codon 240 is replaced by lysine, an amino acid with similar properties. This amino acid position is highly conserved in available vertebrate species. In addition, this alteration is predicted to be deleterious by in silico analysis. Based on the available evidence, the clinical significance of this variant remains unclear.

Labcorp Genetics (formerly Invitae), Labcorp
Classification: Uncertain significance for Pheochromocytoma/paraganglioma syndrome 5; Mitochondrial complex II deficiency, nuclear type 1. Last evaluated: 2024-05-11. Review status: criteria provided, single submitter. Criteria: Invitae Variant Classification Sherloc (09022015). Collection method: clinical testing. Allele origin: germline.
Comment: This sequence change replaces glutamic acid, which is acidic and polar, with lysine, which is basic and polar, at codon 240 of the SDHA protein (p.Glu240Lys). This variant is not present in population databases (gnomAD no frequency). This variant has not been reported in the literature in individuals affected with SDHA-related conditions. ClinVar contains an entry for this variant (Variation ID: 846373). Advanced modeling of protein sequence and biophysical properties (such as structural, functional, and spatial information, amino acid conservation, physicochemical variation, residue mobility, and thermodynamic stability) performed at Invitae indicates that this missense variant is not expected to disrupt SDHA protein function with a negative predictive value of 95%. In summary, the available evidence is currently insufficient to determine the role of this variant in disease. Therefore, it has been classified as a Variant of Uncertain Significance.